The following is an entry in ClinVar:

ClinVar aggregate classification (germline): Likely pathogenic (1 of 4 stars; one submission).

Conditions:
Familial thoracic aortic aneurysm and aortic dissection (TAAD). Also called: Thoracic aortic aneurysms and dissections. Identifiers: Orphanet 91387, MedGen C4707243, MONDO:0019625.
Marfan syndrome (MFS). Also called: Marfan syndrome, classic; Marfan syndrome type 1; Marfan's syndrome; FBN1-Related Marfan Syndrome; MARFAN SYNDROME, TYPE I. Identifiers: Orphanet 284963, Orphanet 558, MedGen C0024796, MONDO:0007947, OMIM 154700.

Submission:

Labcorp Genetics (formerly Invitae), Labcorp
Classification: Likely pathogenic for Marfan syndrome; Familial thoracic aortic aneurysm and aortic dissection. Last evaluated: 2019-07-26. Review status: criteria provided, single submitter. Criteria: Invitae Variant Classification Sherloc (09022015). Collection method: clinical testing. Allele origin: germline.
Comment: This sequence change replaces cysteine with phenylalanine at codon 2363 of the FBN1 protein (p.Cys2363Phe). The cysteine residue is highly conserved and there is a large physicochemical difference between cysteine and phenylalanine. In summary, the currently available evidence indicates that the variant is pathogenic, but additional data are needed to prove that conclusively. Therefore, this variant has been classified as Likely Pathogenic. This variant affects a cysteine residue in the EGF-like, TGFBP or hybrid motif domains of FBN1. Cysteine residues are believed to be involved in intramolecular disulfide bridges and have been shown to be important for FBN1 protein structure (PMID: 16905551, 19349279). In addition, missense substitutions affecting cysteine residues within these domains are significantly overrepresented among patients with Marfan syndrome (PMID: 16571647, 17701892). Algorithms developed to predict the effect of missense changes on protein structure and function are either unavailable or do not agree on the potential impact of this missense change (SIFT: "Deleterious"; PolyPhen-2: "Probably Damaging"; Align-GVGD: "Class C0"). This variant has not been reported in the literature in individuals with FBN1-related conditions. This variant is not present in population databases (ExAC no frequency).

Literature cited by the submitters: PubMed 16905551; PubMed 19349279; PubMed 16571647; PubMed 17701892.

NM_000138.5(FBN1):c.7088G>T (p.Cys2363Phe)

Gene: FBN1 (fibrillin 1; minus strand). Cytogenetic location: 15q21.1.
Variant type: single nucleotide variant.
Coding change: c.7088G>T on transcript NM_000138.5 (MANE Select); coding-DNA position 7088, G replaced by T.
Protein change: p.Cys2363Phe; replaces cysteine 2363 with phenylalanine.
Molecular consequence: missense variant.
Genome position (GRCh38, 1-based): chr15:48,427,683, C>A on the plus strand (G>T on the coding strand, the complement: FBN1 is on the minus strand). VCF-style: chr15-48427683-C-A. GRCh37 (hg19) VCF-style: chr15-48719880-C-A.
Other names: short protein forms C2363F.
Identifiers: ClinVar variation 951009 (VCV000951009.9), dbSNP rs2042988482, ClinGen allele CA392329915.